The following is an entry in ClinVar:

NM_001110556.2(FLNA):c.7784A>C (p.His2595Pro)

Genes: FLNA (filamin A; minus strand), LOC107988032 (Xq28 proximal FLNA-EMD recombination region; plus strand). Cytogenetic location: Xq28.
Variant type: single nucleotide variant.
Coding change: c.7784A>C on transcript NM_001110556.2 (MANE Select); coding-DNA position 7784, A replaced by C.
Protein change: p.His2595Pro; replaces histidine 2595 with proline.
Molecular consequence: missense variant.
Genome position (GRCh38, 1-based): chrX:154,349,009, T>G on the plus strand (A>C on the coding strand, the complement: FLNA is on the minus strand). VCF-style: chrX-154349009-T-G. GRCh37 (hg19) VCF-style: chrX-153577377-T-G.
Other names: c.7760A>C, p.His2587Pro (NM_001456.4); short protein forms H2587P, H2595P.
Identifiers: ClinVar variation 655782 (VCV000655782.10), dbSNP rs1603358284, ClinGen allele CA415178550.

ClinVar aggregate classification (germline): Uncertain significance (1 of 4 stars; one submission).

Conditions:
Frontometaphyseal dysplasia (FMD1). Identifiers: Orphanet 1826, MedGen C0265293, MONDO:0015942.
Oto-palato-digital syndrome, type II (OPD2). Also called: FACIOPALATOOSSEOUS SYNDROME; Otopalatodigital Syndrome, Type II; Otopalatodigital Syndrome Type 2 (FLNA-OPD2); OPD II SYNDROME. Identifiers: Orphanet 669, Orphanet 90652, MedGen C1844696, MONDO:0010571, OMIM 304120.
Heterotopia, periventricular, X-linked dominant (PVNH1). Also called: PERIVENTRICULAR NODULAR HETEROTOPIA 4; HETEROTOPIA, PERIVENTRICULAR, 1; PERIVENTRICULAR NODULAR HETEROTOPIA 1; X-linked periventricular heterotopia. Identifiers: Orphanet 2149, Orphanet 82004, MedGen C1848213, MONDO:0010233, OMIM 300049.
Melnick-Needles syndrome (MNS). Also called: Melnick-Needles Syndrome (FLNA-MNS); MELNICK-NEEDLES OSTEODYSPLASTY; OSTEODYSPLASTY OF MELNICK AND NEEDLES. Identifiers: Orphanet 2484, MedGen C0025237, MONDO:0010650, OMIM 309350.

Submission:

Labcorp Genetics (formerly Invitae), Labcorp
Classification: Uncertain significance for Oto-palato-digital syndrome, type II; Heterotopia, periventricular, X-linked dominant; Frontometaphyseal dysplasia; Melnick-Needles syndrome. Last evaluated: 2018-07-01. Review status: criteria provided, single submitter. Criteria: Invitae Variant Classification Sherloc (09022015). Collection method: clinical testing. Allele origin: germline.
Comment: In summary, the available evidence is currently insufficient to determine the role of this variant in disease. Therefore, it has been classified as a Variant of Uncertain Significance. Algorithms developed to predict the effect of missense changes on protein structure and function are either unavailable or do not agree on the potential impact of this missense change (SIFT: "Deleterious"; PolyPhen-2: "Possibly Damaging"; Align-GVGD: "Class C0"). This variant has not been reported in the literature in individuals with FLNA-related disease. This variant is not present in population databases (ExAC no frequency). This sequence change replaces histidine with proline at codon 2587 of the FLNA protein (p.His2587Pro). The histidine residue is highly conserved and there is a moderate physicochemical difference between histidine and proline.